The following is an entry in ClinVar:

NM_005006.7(NDUFS1):c.1262+17A>G

Gene: NDUFS1 (NADH:ubiquinone oxidoreductase core subunit S1; minus strand). Cytogenetic location: 2q33.3.
Variant type: single nucleotide variant.
Coding change: c.1262+17A>G on transcript NM_005006.7 (MANE Select); 17 bases into the intron after coding-DNA position 1262, A replaced by G.
Molecular consequence: intron variant.
Genome position (GRCh38, 1-based): chr2:206,141,924, T>C on the plus strand (A>G on the coding strand, the complement: NDUFS1 is on the minus strand). VCF-style: chr2-206141924-T-C. GRCh37 (hg19) VCF-style: chr2-207006648-T-C.
Other names: c.929+17A>G (NM_001199982.2); c.1091+17A>G (NM_001199983.2); c.1154+17A>G (NM_001199981.2); c.1304+17A>G (NM_001199984.2).
Identifiers: ClinVar variation 378253 (VCV000378253.10), dbSNP rs144695826, ClinGen allele CA2070514.
Genomic context (GRCh38, chr2:206,141,924, plus strand): 5'-GAAGATGCCATTTTTCACATATAAAACAAAAAAATTACATAAATATTTTTAAACCTTGAA[T>C]AAATACTATTACCAACCTCTTTCGAATTCTAGCATTAAACAGTGGTGCCTCAAAACGTGG-3'

ClinVar aggregate classification (germline): Benign/Likely benign. Review status: criteria provided, multiple submitters, no conflicts (2 of 4 stars). 3 submissions from 3 submitters: Benign (1); Likely benign (2). Last evaluated 2025-10-29.

Allele frequency attached by ClinVar (database versions not stated): gnomAD exomes 0.00021 and 0.00056; ExAC 0.00076; 1000 Genomes Project 0.00200; gnomAD 0.00245 and 0.00268; TOPMed 0.00250; 1000 Genomes Project 30x 0.00281; ESP Exome Variant Server 0.00292.
gnomAD v4.1: 685 of 1,604,322 alleles (0.043%); highest among the groups gnomAD compares: African/African-American, 0.82%; 1 homozygote.

Submissions (3):

Labcorp Genetics (formerly Invitae), Labcorp
Classification: Benign. Last evaluated: 2025-10-29. Review status: criteria provided, single submitter. Criteria: Invitae Variant Classification Sherloc (09022015). Collection method: clinical testing. Allele origin: germline.

Blueprint Genetics
Classification: Likely benign. Last evaluated: 2024-11-14. Review status: criteria provided, single submitter. Criteria: ACMG Guidelines, 2015. Collection method: clinical testing. Allele origin: germline.

GeneDx
Classification: Likely benign. Last evaluated: 2017-05-11. Review status: criteria provided, single submitter. Criteria: GeneDx Variant Classification (06012015). Collection method: clinical testing. Allele origin: germline. Affected: yes.
Comment: This variant is considered likely benign or benign based on one or more of the following criteria: it is a conservative change, it occurs at a poorly conserved position in the protein, it is predicted to be benign by multiple in silico algorithms, and/or has population frequency not consistent with disease.